The following is an entry in ClinVar:

ClinVar aggregate classification (germline): Likely pathogenic (1 of 4 stars; one submission).

Conditions:
STIL-related disorder. Also called: STIL-related condition.

gnomAD v4.1: 47 of 1,613,854 alleles (0.0029%); highest among the groups gnomAD compares: Non-Finnish European, 0.0039%; no homozygotes.

Submission:

PreventionGenetics, part of Exact Sciences
Classification: Likely pathogenic for STIL-related condition. Last evaluated: 2026-05-13. Review status: criteria provided, single submitter. Criteria: ACMG Guidelines, 2015. Collection method: clinical testing. Allele origin: germline.
Comment: The STIL c.3694C>T variant is predicted to result in premature protein termination (p.Arg1232*). To our knowledge, this variant has not been reported in the literature. This variant is reported in 0.0035% of alleles in individuals of European (Non-Finnish) descent in gnomAD. This variant is located in the last exon of the gene. Downstream loss of function variants have been reported in association with STIL related disorder (see for example, p.Gln1239* in Kumar et al. 2009. PubMed ID: 19215732). This variant is interpreted as likely pathogenic.

NM_001048166.1(STIL):c.3694C>T (p.Arg1232Ter)

Gene: STIL (STIL centriolar assembly protein; minus strand). Cytogenetic location: 1p33.
Variant type: single nucleotide variant.
Coding change: c.3694C>T on transcript NM_001048166.1 (MANE Select); coding-DNA position 3694, C replaced by T.
Protein change: p.Arg1232Ter; replaces arginine 1232 with a stop codon.
Molecular consequence: nonsense.
Genome position (GRCh38, 1-based): chr1:47,251,309, G>A on the plus strand (C>T on the coding strand, the complement: STIL is on the minus strand). VCF-style: chr1-47251309-G-A. GRCh37 (hg19) VCF-style: chr1-47716981-G-A.
Other names: c.3691C>T, p.Arg1231Ter (NM_001282936.1, NM_003035.2); c.3640C>T, p.Arg1214Ter (NM_001282937.1); c.3553C>T, p.Arg1185Ter (NM_001282938.1, NM_001377417.1); c.3499C>T, p.Arg1167Ter (NM_001282939.1); short protein forms R1214*, R1231*, R1232*, R1185*, R1167*.
Identifiers: ClinVar variation 4988877 (VCV004988877.1).